The following is an entry in ClinVar:

NM_014008.5(CCDC22):c.1486C>T (p.Arg496Cys)

Gene: CCDC22 (CCC complex scaffolding subunit CCDC22; plus strand). Cytogenetic location: Xp11.23.
Variant type: single nucleotide variant.
Coding change: c.1486C>T on transcript NM_014008.5 (MANE Select); coding-DNA position 1486, C replaced by T.
Protein change: p.Arg496Cys; replaces arginine 496 with cysteine.
Molecular consequence: missense variant.
Genome position (GRCh38, 1-based): chrX:49,248,871, C>T. VCF-style: chrX-49248871-C-T. GRCh37 (hg19) VCF-style: chrX-49105332-C-T.
Other names: short protein forms R496C.
Identifiers: ClinVar variation 2558652 (VCV002558652.3), dbSNP rs200954122, ClinGen allele CA329132516.
Genomic context (GRCh38, chrX:49,248,871, plus strand): 5'-GCCTAGATGTCAGAGCTGGAGACTCTGCCCAGAGATGTGTCCCGGCTGGCCTACACCCAG[C>T]GCATCCTGGAGATCGTGGGCAACATCCGGAAGCAGAAGGAAGAGATCACCAAGGTACACT-3'
Protein context (NP_054727.1, residues 486-506): RDVSRLAYTQ[Arg496Cys]ILEIVGNIRK

ClinVar aggregate classification (germline): Uncertain significance. Review status: criteria provided, multiple submitters, no conflicts (2 of 4 stars). 2 submissions from 2 submitters: Uncertain significance (2). Last evaluated 2025-07-25.

Conditions:
Intellectual disability. Also called: Intellectual functioning disability; intellectual disabilities; Intellectual developmental disorder. Identifiers: MedGen C3714756, MeSH D008607, MONDO:0001071, HP:0001249.

Allele frequency attached by ClinVar (database versions not stated): TOPMed 0.00002; gnomAD 0.00002; gnomAD exomes 0.00001; 1000 Genomes Project 0.00026; 1000 Genomes Project 30x 0.00021.
gnomAD v4.1: 9 of 1,209,027 alleles (0.00074%); highest among the groups gnomAD compares: East Asian, 0.015%; no homozygotes.

Submissions (2):

Clinical Genetics Laboratory, Skane University Hospital Lund
Classification: Uncertain significance for Intellectual disability. Last evaluated: 2025-07-25. Review status: criteria provided, single submitter. Criteria: ACMG Guidelines, 2015. Collection method: clinical testing. Allele origin: germline. Affected: yes.
Comment: The variant was found in a hemizygous state. ACMG criteria applied: PP3, BS2 (1 hemizygous in gnomAD v4.1.0).

Ambry Genetics
Classification: Uncertain significance. Last evaluated: 2023-06-07. Review status: criteria provided, single submitter. Criteria: Ambry Variant Classification Scheme 2023. Collection method: clinical testing. Allele origin: germline.